The following is an entry in ClinVar:

ClinVar aggregate classification (germline): Uncertain significance. Review status: criteria provided, multiple submitters, no conflicts (2 of 4 stars). 6 submissions from 6 submitters: Uncertain significance (6). Last evaluated 2025-12-24.

Conditions:
Familial adenomatous polyposis 1 (FAP1). Also called: POLYPOSIS, ADENOMATOUS INTESTINAL; FAMILIAL ADENOMATOUS POLYPOSIS 1, ATTENUATED. Identifiers: MedGen C2713442, MONDO:0021056, OMIM 175100. Disease mechanism: loss of function.
Hereditary cancer-predisposing syndrome. Also called: Hereditary Cancer Syndrome; Neoplastic Syndromes, Hereditary; Tumor predisposition; Hereditary neoplastic syndrome. Identifiers: Orphanet 140162, MedGen C0027672, MeSH D009386, MONDO:0015356.

Allele frequency attached by ClinVar (database versions not stated): gnomAD 0.00001; ExAC 0.00002; gnomAD exomes below 0.00001; ESP Exome Variant Server 0.00008.
gnomAD v4.1: 5 of 1,613,894 alleles (0.00031%); highest among the groups gnomAD compares: African/African-American, 0.0013%; no homozygotes.

Submissions (6):

Labcorp Genetics (formerly Invitae), Labcorp
Classification: Uncertain significance for Familial adenomatous polyposis 1. Last evaluated: 2025-12-24. Review status: criteria provided, single submitter. Criteria: Invitae Variant Classification Sherloc (09022015). Collection method: clinical testing. Allele origin: germline.
Comment: This sequence change replaces glycine, which is neutral and non-polar, with arginine, which is basic and polar, at codon 2735 of the APC protein (p.Gly2735Arg). This variant is present in population databases (rs376392084, gnomAD 0.004%). This variant has not been reported in the literature in individuals affected with APC-related conditions. ClinVar contains an entry for this variant (Variation ID: 827504). Invitae Evidence Modeling of protein sequence and biophysical properties (such as structural, functional, and spatial information, amino acid conservation, physicochemical variation, residue mobility, and thermodynamic stability) indicates that this missense variant is not expected to disrupt APC protein function with a negative predictive value of 95%. In summary, the available evidence is currently insufficient to determine the role of this variant in disease. Therefore, it has been classified as a Variant of Uncertain Significance.

Center for Genomic Medicine, Rigshospitalet, Copenhagen University Hospital
Classification: Uncertain significance. Last evaluated: 2025-03-04. Review status: criteria provided, single submitter. Criteria: ACMG Guidelines, 2015. Collection method: clinical testing. Allele origin: germline.

Baylor Genetics
Classification: Uncertain significance for Familial adenomatous polyposis 1. Last evaluated: 2024-01-31. Review status: criteria provided, single submitter. Criteria: ACMG Guidelines, 2015. Collection method: clinical testing. Allele origin: unknown.

Ambry Genetics
Classification: Uncertain significance for Hereditary cancer-predisposing syndrome. Last evaluated: 2024-01-29. Review status: criteria provided, single submitter. Criteria: Ambry Variant Classification Scheme 2023. Collection method: clinical testing. Allele origin: germline.
Comment: The p.G2735R variant (also known as c.8203G>A), located in coding exon 15 of the APC gene, results from a G to A substitution at nucleotide position 8203. The glycine at codon 2735 is replaced by arginine, an amino acid with dissimilar properties. This amino acid position is well conserved in available vertebrate species. In addition, in silico predictors for this gene do not accurately predict pathogenicity. Based on the available evidence, the clinical significance of this alteration remains unclear.

GeneDx
Classification: Uncertain significance. Last evaluated: 2023-02-22. Review status: criteria provided, single submitter. Criteria: GeneDx Variant Classification Process June 2021. Collection method: clinical testing. Allele origin: germline.
Comment: Not observed at significant frequency in large population cohorts (gnomAD); In silico analysis supports that this missense variant does not alter protein structure/function; Has not been previously published as pathogenic or benign to our knowledge; This variant is associated with the following publications: (PMID: 18199528)

Color Diagnostics, LLC DBA Color Health
Classification: Uncertain significance for Hereditary cancer-predisposing syndrome. Last evaluated: 2020-11-09. Review status: criteria provided, single submitter. Criteria: ACMG Guidelines, 2015. Collection method: clinical testing. Allele origin: germline.
Comment: This missense variant replaces glycine with arginine at codon 2735 of the APC protein. Computational prediction suggests that this variant may not impact protein structure and function (internally defined REVEL score threshold <= 0.5, PMID: 27666373). To our knowledge, functional studies have not been reported for this variant. This variant has not been reported in individuals affected with hereditary cancer in the literature. This variant has been identified in 1/31404 chromosomes in the general population by the Genome Aggregation Database (gnomAD). The available evidence is insufficient to determine the role of this variant in disease conclusively. Therefore, this variant is classified as a Variant of Uncertain Significance.

Literature cited by the submitters: PubMed 25186627 (cited by Ambry Genetics).

NM_000038.6(APC):c.8203G>A (p.Gly2735Arg)

Gene: APC (APC regulator of Wnt signaling pathway; plus strand). Cytogenetic location: 5q22.2.
Variant type: single nucleotide variant.
Coding change: c.8203G>A on transcript NM_000038.6 (MANE Select); coding-DNA position 8203, G replaced by A.
Protein change: p.Gly2735Arg; replaces glycine 2735 with arginine.
Molecular consequence: missense variant.
Genome position (GRCh38, 1-based): chr5:112,843,797, G>A. VCF-style: chr5-112843797-G-A. GRCh37 (hg19) VCF-style: chr5-112179494-G-A.
Other names: c.8203G>A, p.Gly2735Arg (NM_001127510.3, NM_001354895.2); c.8149G>A, p.Gly2717Arg (NM_001127511.3); c.8257G>A, p.Gly2753Arg (NM_001354896.2); c.8233G>A, p.Gly2745Arg (NM_001354897.2); c.8128G>A, p.Gly2710Arg (NM_001354898.2); c.8119G>A, p.Gly2707Arg (NM_001354899.2); c.8080G>A, p.Gly2694Arg (NM_001354900.2); c.8026G>A, p.Gly2676Arg (NM_001354901.2); and 5 more; short protein forms G2710R, G2609R, G2676R, G2717R, G2735R, G2745R, G2575R, G2634R.
Identifiers: ClinVar variation 827504 (VCV000827504.21), dbSNP rs376392084, ClinGen allele CA050179.